The following is an entry in ClinVar:

ClinVar aggregate classification (germline): Uncertain significance. Review status: criteria provided, multiple submitters, no conflicts (2 of 4 stars). 4 submissions from 4 submitters: Uncertain significance (4). Last evaluated 2025-01-01.

Allele frequency attached by ClinVar (database versions not stated): 1000 Genomes Project 0.00020; ExAC 0.00022; 1000 Genomes Project 30x 0.00031; ESP Exome Variant Server 0.00031; TOPMed 0.00040; gnomAD 0.00049 and 0.00051.
gnomAD v4.1: 890 of 1,613,896 alleles (0.055%); highest among the groups gnomAD compares: Non-Finnish European, 0.072%; no homozygotes.

Submissions (4):

Mayo Clinic Laboratories, Mayo Clinic
Classification: Uncertain significance. Last evaluated: 2025-01-01. Review status: criteria provided, single submitter. Criteria: ACMG Guidelines, 2015. Collection method: clinical testing. Allele origin: germline. Observed: 1 variant allele.
Comment: BP4

Blueprint Genetics
Classification: Uncertain significance. Last evaluated: 2024-10-16. Review status: criteria provided, single submitter. Criteria: ACMG Guidelines, 2015. Collection method: clinical testing. Allele origin: germline.

Ambry Genetics
Classification: Uncertain significance. Last evaluated: 2024-08-14. Review status: criteria provided, single submitter. Criteria: Ambry Variant Classification Scheme 2023. Collection method: clinical testing. Allele origin: germline.

Labcorp Genetics (formerly Invitae), Labcorp
Classification: Uncertain significance. Last evaluated: 2022-10-05. Review status: criteria provided, single submitter. Criteria: Invitae Variant Classification Sherloc (09022015). Collection method: clinical testing. Allele origin: germline.
Comment: This sequence change replaces aspartic acid, which is acidic and polar, with glycine, which is neutral and non-polar, at codon 198 of the IFNAR2 protein (p.Asp198Gly). This variant is present in population databases (rs200536427, gnomAD 0.06%). This variant has not been reported in the literature in individuals affected with IFNAR2-related conditions. ClinVar contains an entry for this variant (Variation ID: 1523927). Algorithms developed to predict the effect of missense changes on protein structure and function are either unavailable or do not agree on the potential impact of this missense change (SIFT: "Tolerated"; PolyPhen-2: "Probably Damaging"; Align-GVGD: "Class C0"). In summary, the available evidence is currently insufficient to determine the role of this variant in disease. Therefore, it has been classified as a Variant of Uncertain Significance.

NM_001289125.3(IFNAR2):c.593A>G (p.Asp198Gly)

Genes: IFNAR2 (interferon alpha and beta receptor subunit 2; plus strand), IFNAR2-IL10RB (IFNAR2-IL10RB readthrough; plus strand). Cytogenetic location: 21q22.11.
Variant type: single nucleotide variant.
Coding change: c.593A>G on transcript NM_001289125.3 (MANE Select); coding-DNA position 593, A replaced by G.
Protein change: p.Asp198Gly; replaces aspartic acid 198 with glycine.
Molecular consequence: missense variant.
Genome position (GRCh38, 1-based): chr21:33,252,714, A>G. VCF-style: chr21-33252714-A-G. GRCh37 (hg19) VCF-style: chr21-34625019-A-G.
Other names: p.Asp198Gly; c.593A>G (NM_207585.1, NM_207585.2); c.593A>G, p.Asp198Gly (NM_000874.5, NM_001289126.2, NM_001289128.2 and 4 more transcripts); short protein forms D198G.
Identifiers: ClinVar variation 1523927 (VCV001523927.7), dbSNP rs200536427, ClinGen allele CA10005717.